The following is an entry in ClinVar:

ClinVar aggregate classification (germline): Uncertain significance (1 of 4 stars; one submission).

Conditions:
Familial thoracic aortic aneurysm and aortic dissection (TAAD). Also called: Thoracic aortic aneurysms and dissections. Identifiers: Orphanet 91387, MedGen C4707243, MONDO:0019625.

Submission:

Ambry Genetics
Classification: Uncertain significance for Familial thoracic aortic aneurysm and aortic dissection. Last evaluated: 2025-02-13. Review status: criteria provided, single submitter. Criteria: Ambry Variant Classification Scheme 2023. Collection method: clinical testing. Allele origin: germline.
Comment: The p.L248V variant (also known as c.742C>G), located in coding exon 1 of the SKI gene, results from a C to G substitution at nucleotide position 742. The leucine at codon 248 is replaced by valine, an amino acid with highly similar properties. This amino acid position is well conserved in available vertebrate species. In addition, the in silico prediction for this alteration is inconclusive. Based on the available evidence, the clinical significance of this variant remains unclear.

NM_003036.4(SKI):c.742C>G (p.Leu248Val)

Gene: SKI (SKI proto-oncogene; plus strand). Cytogenetic location: 1p36.33.
Variant type: single nucleotide variant.
Coding change: c.742C>G on transcript NM_003036.4 (MANE Select); coding-DNA position 742, C replaced by G.
Protein change: p.Leu248Val; replaces leucine 248 with valine.
Molecular consequence: missense variant.
Genome position (GRCh38, 1-based): chr1:2,229,508, C>G. VCF-style: chr1-2229508-C-G. GRCh37 (hg19) VCF-style: chr1-2160947-C-G.
Other names: short protein forms L248V.
Identifiers: ClinVar variation 3796258 (VCV003796258.1).
Genomic context (GRCh38, chr1:2,229,508, plus strand): 5'-TGTAAGGGGCTGCTGGTGCCCGAGCTCTACAGCAGCCCGAGCGCCGCCTGCATCCAGTGC[C>G]TGGACTGCCGCCTCATGTACCCGCCGCACAAGTTCGTGGTGCACTCGCACAAGGCCCTGG-3'
Protein context (NP_003027.1, residues 238-258): SSPSAACIQC[Leu248Val]DCRLMYPPHK